The following is an entry in ClinVar:

NM_138773.4(SLC25A46):c.1113C>G (p.Asp371Glu)

Gene: SLC25A46 (solute carrier family 25 member 46; plus strand). Cytogenetic location: 5q22.1.
Variant type: single nucleotide variant.
Coding change: c.1113C>G on transcript NM_138773.4 (MANE Select); coding-DNA position 1113, C replaced by G.
Protein change: p.Asp371Glu; replaces aspartic acid 371 with glutamic acid.
Molecular consequence: missense variant. On other transcripts: non-coding transcript variant (1).
Genome position (GRCh38, 1-based): chr5:110,761,638, C>G. VCF-style: chr5-110761638-C-G. GRCh37 (hg19) VCF-style: chr5-110097338-C-G.
Other names: c.870C>G, p.Asp290Glu (NM_001303249.3); c.840C>G, p.Asp280Glu (NM_001303250.3); short protein forms D371E, D280E, D290E.
Identifiers: ClinVar variation 2154242 (VCV002154242.4), dbSNP rs2547533744, ClinGen allele CA360697353.

ClinVar aggregate classification (germline): Uncertain significance (1 of 4 stars; one submission).

Conditions:
Neuropathy, hereditary motor and sensory, type 6B (HMSN6B). Also called: Neuropathy, hereditary motor and sensory, type VIB; NEUROPATHY, HEREDITARY MOTOR AND SENSORY, TYPE VIB, WITH OPTIC ATROPHY; HMSN VIB; CHARCOT-MARIE-TOOTH DISEASE, TYPE 6B. Identifiers: MedGen C4225302, MONDO:0014671, OMIM 616505.

Submission:

Labcorp Genetics (formerly Invitae), Labcorp
Classification: Uncertain significance for Neuropathy, hereditary motor and sensory, type 6B. Last evaluated: 2022-04-20. Review status: criteria provided, single submitter. Criteria: Invitae Variant Classification Sherloc (09022015). Collection method: clinical testing. Allele origin: germline.
Comment: This sequence change replaces aspartic acid, which is acidic and polar, with glutamic acid, which is acidic and polar, at codon 371 of the SLC25A46 protein (p.Asp371Glu). This variant is not present in population databases (gnomAD no frequency). This variant has not been reported in the literature in individuals affected with SLC25A46-related conditions. Algorithms developed to predict the effect of missense changes on protein structure and function (SIFT, PolyPhen-2, Align-GVGD) all suggest that this variant is likely to be disruptive. In summary, the available evidence is currently insufficient to determine the role of this variant in disease. Therefore, it has been classified as a Variant of Uncertain Significance.